The following is an entry in ClinVar:

ClinVar aggregate classification (germline): Likely pathogenic (1 of 4 stars; one submission).

Submission:

GeneDx
Classification: Likely pathogenic. Last evaluated: 2016-02-16. Review status: criteria provided, single submitter. Criteria: GeneDx Variant Classification (06012015). Collection method: clinical testing. Allele origin: germline. Affected: yes.
Comment: The T602I variant was not observed in approximately 6,500 individuals of European and African American ancestry in the NHLBI Exome Sequencing Project, indicating it is not a common benign variant in these populations. The T602I variant is a non-conservative amino acid substitution, which is likely to impact secondary protein structure as these residues differ in polarity, charge, size and/or other properties. This substitution occurs at a position that is not conserved. In silico analysis is inconsistent in its predictions as to whether or not the variant is damaging to the protein structure/function. Missense variants in nearby residues (P597T, Y598D, Y598S, Y598C, E605G, T606P, A607D) have been reported in the Human Gene Mutation Database in association with agammaglobulinemia (Stenson et al., 2014), supporting the functional importance of this region of the protein. The T602I variant is a strong candidate for a pathogenic variant, however the possibility it may be a rare benign variant cannot be excluded.

NM_000061.3(BTK):c.1805C>T (p.Thr602Ile)

Gene: BTK (Bruton tyrosine kinase; minus strand). Cytogenetic location: Xq22.1.
Variant type: single nucleotide variant.
Coding change: c.1805C>T on transcript NM_000061.3 (MANE Select); coding-DNA position 1805, C replaced by T.
Protein change: p.Thr602Ile; replaces threonine 602 with isoleucine.
Molecular consequence: missense variant.
Genome position (GRCh38, 1-based): chrX:101,353,297, G>A on the plus strand (C>T on the coding strand, the complement: BTK is on the minus strand). VCF-style: chrX-101353297-G-A. GRCh37 (hg19) VCF-style: chrX-100608285-G-A.
Other names: c.1907C>T, p.Thr636Ile (NM_001287344.2); c.1277C>T, p.Thr426Ile (NM_001287345.2); short protein forms T602I, T426I, T636I.
Identifiers: ClinVar variation 381632 (VCV000381632.2), dbSNP rs1057521116, ClinGen allele CA16608229.